The following is an entry in ClinVar:

ClinVar aggregate classification (germline): Uncertain significance. Review status: criteria provided, multiple submitters, no conflicts (2 of 4 stars). 4 submissions from 4 submitters: Uncertain significance (4). Last evaluated 2026-01-13.

Conditions:
Cardiovascular phenotype. Identifiers: MedGen CN230736.
Noonan syndrome 9 (NS9). Identifiers: Orphanet 648, MedGen C4225282, MONDO:0014691, OMIM 616559.

Allele frequency attached by ClinVar (database versions not stated): gnomAD 0.00001; TOPMed 0.00001.
gnomAD v4.1: 18 of 1,613,994 alleles (0.0011%); highest among the groups gnomAD compares: Non-Finnish European, 0.0014%; no homozygotes.

Submissions (4):

Labcorp Genetics (formerly Invitae), Labcorp
Classification: Uncertain significance for Noonan syndrome 9. Last evaluated: 2026-01-13. Review status: criteria provided, single submitter. Criteria: Invitae Variant Classification Sherloc (09022015). Collection method: clinical testing. Allele origin: germline.
Comment: This sequence change replaces threonine, which is neutral and polar, with arginine, which is basic and polar, at codon 1254 of the SOS2 protein (p.Thr1254Arg). This variant is not present in population databases (gnomAD no frequency). This variant has not been reported in the literature in individuals affected with SOS2-related conditions. ClinVar contains an entry for this variant (Variation ID: 542403). Invitae Evidence Modeling of protein sequence and biophysical properties (such as structural, functional, and spatial information, amino acid conservation, physicochemical variation, residue mobility, and thermodynamic stability) indicates that this missense variant is not expected to disrupt SOS2 protein function with a negative predictive value of 95%. In summary, the available evidence is currently insufficient to determine the role of this variant in disease. Therefore, it has been classified as a Variant of Uncertain Significance.

Ambry Genetics
Classification: Uncertain significance for Cardiovascular phenotype. Last evaluated: 2025-06-24. Review status: criteria provided, single submitter. Criteria: Ambry Variant Classification Scheme 2023. Collection method: clinical testing. Allele origin: germline.

Mayo Clinic Laboratories, Mayo Clinic
Classification: Uncertain significance. Last evaluated: 2025-01-09. Review status: criteria provided, single submitter. Criteria: ACMG Guidelines, 2015. Collection method: clinical testing. Allele origin: germline. Observed: 1 variant allele.
Comment: PM2_supporting

Illumina Laboratory Services, Illumina
Classification: Uncertain significance for Noonan syndrome 9. Last evaluated: 2023-02-10. Review status: criteria provided, single submitter. Criteria: ICSLVariantClassificationCriteria RUGD 01 April 2020. Collection method: clinical testing. Allele origin: unknown.
Comment: The SOS2 c.3761C>G (p.Thr1254Arg) missense variant results in the substitution of threonine at amino acid position 1254 with arginine. To our knowledge, this variant has not been reported in the peer-reviewed literature. This variant is reported in the Genome Aggregation Database in one allele at a frequency of 0.000015 in the European (non-Finnish) population (version 3.1.2). Almost all known pathogenic variants in the SOS2 gene reported to-date in the literature are missense variants located in a hotspot region in the N-terminus of the protein within the Dbl-homology domain between amino acids 198-388, whereas this variant is located close to the C-terminus of the protein where no pathogenic variants have been reported so far (PMID: 26173643; PMID: 32788663; PMID: 34205562). Additionally, the known pathogenic variants in this gene have either been inherited from an affected parent or occurred de novo. Based on the available evidence, the c.3761C>G (p.Thr1254Arg) variant is classified as a variant of uncertain significance for Noonan syndrome.

NM_006939.4(SOS2):c.3761C>G (p.Thr1254Arg)

Gene: SOS2 (SOS Ras/Rho guanine nucleotide exchange factor 2; minus strand). Cytogenetic location: 14q21.3.
Variant type: single nucleotide variant.
Coding change: c.3761C>G on transcript NM_006939.4 (MANE Select); coding-DNA position 3761, C replaced by G.
Protein change: p.Thr1254Arg; replaces threonine 1254 with arginine.
Molecular consequence: missense variant.
Genome position (GRCh38, 1-based): chr14:50,118,582, G>C on the plus strand (C>G on the coding strand, the complement: SOS2 is on the minus strand). VCF-style: chr14-50118582-G-C. GRCh37 (hg19) VCF-style: chr14-50585300-G-C.
Other names: p.Thr1254Arg; short protein forms T1254R.
Identifiers: ClinVar variation 542403 (VCV000542403.9), dbSNP rs772587016, ClinGen allele CA260704065.